The following is an entry in ClinVar:

NM_000350.3(ABCA4):c.1949T>C (p.Ile650Thr)

Gene: ABCA4 (ATP binding cassette subfamily A member 4; minus strand). Cytogenetic location: 1p22.1.
Variant type: single nucleotide variant.
Coding change: c.1949T>C on transcript NM_000350.3 (MANE Select); coding-DNA position 1949, T replaced by C.
Protein change: p.Ile650Thr; replaces isoleucine 650 with threonine.
Molecular consequence: missense variant.
Genome position (GRCh38, 1-based): chr1:94,060,748, A>G on the plus strand (T>C on the coding strand, the complement: ABCA4 is on the minus strand). VCF-style: chr1-94060748-A-G. GRCh37 (hg19) VCF-style: chr1-94526304-A-G.
Other names: c.1949T>C, p.Ile650Thr (NM_001425324.1); short protein forms I650T.
Identifiers: ClinVar variation 2809431 (VCV002809431.3), dbSNP rs2523833386, ClinGen allele CA341278943.

ClinVar aggregate classification (germline): Uncertain significance (1 of 4 stars; one submission).

Submission:

Labcorp Genetics (formerly Invitae), Labcorp
Classification: Uncertain significance. Last evaluated: 2022-10-23. Review status: criteria provided, single submitter. Criteria: Invitae Variant Classification Sherloc (09022015). Collection method: clinical testing. Allele origin: germline.
Comment: This sequence change replaces isoleucine, which is neutral and non-polar, with threonine, which is neutral and polar, at codon 650 of the ABCA4 protein (p.Ile650Thr). This variant is not present in population databases (gnomAD no frequency). This variant has not been reported in the literature in individuals affected with ABCA4-related conditions. Advanced modeling of protein sequence and biophysical properties (such as structural, functional, and spatial information, amino acid conservation, physicochemical variation, residue mobility, and thermodynamic stability) performed at Invitae indicates that this missense variant is not expected to disrupt ABCA4 protein function. In summary, the available evidence is currently insufficient to determine the role of this variant in disease. Therefore, it has been classified as a Variant of Uncertain Significance.